The following is an entry in ClinVar:

ClinVar aggregate classification (germline): Benign. Review status: criteria provided, multiple submitters, no conflicts (2 of 4 stars). 3 submissions from 3 submitters: Benign (3). Last evaluated 2025-06-26.

Conditions:
COL25A1-related disorder. Also called: COL25A1-related condition.

Allele frequency attached by ClinVar (database versions not stated): gnomAD 0.01106 and 0.01181; 1000 Genomes Project 0.01238; TOPMed 0.01238; 1000 Genomes Project 30x 0.01405; ESP Exome Variant Server 0.00989.
gnomAD v4.1: 3,747 of 1,614,252 alleles (0.23%); highest among the groups gnomAD compares: African/African-American, 3.7%; 59 homozygotes.

Submissions (3):

PreventionGenetics, part of Exact Sciences
Classification: Benign for COL25A1-related condition. Last evaluated: 2025-06-26. Review status: criteria provided, single submitter. Criteria: ACMG Guidelines, 2015. Collection method: clinical testing. Allele origin: germline.
Comment: This variant is classified as benign based on ACMG/AMP sequence variant interpretation guidelines (Richards et al. 2015 PMID: 25741868, with internal and published modifications).

Labcorp Genetics (formerly Invitae), Labcorp
Classification: Benign. Last evaluated: 2019-12-31. Review status: criteria provided, single submitter. Criteria: Invitae Variant Classification Sherloc (09022015). Collection method: clinical testing. Allele origin: germline.

Breakthrough Genomics
Classification: Benign. Review status: criteria provided, single submitter. Criteria: ACMG Guidelines, 2015. Collection method: not provided. Allele origin: germline. Inheritance: Autosomal recessive inheritance. Affected: yes.

NM_198721.4(COL25A1):c.204C>T (p.Ser68=)

Gene: COL25A1 (collagen type XXV alpha 1 chain; minus strand). Cytogenetic location: 4q25.
Variant type: single nucleotide variant.
Coding change: c.204C>T on transcript NM_198721.4 (MANE Select); coding-DNA position 204, C replaced by T.
Protein change: p.Ser68=; no amino-acid change (serine 68 retained).
Molecular consequence: synonymous variant. On other transcripts: non-coding transcript variant (1).
Genome position (GRCh38, 1-based): chr4:109,301,816, G>A on the plus strand (C>T on the coding strand, the complement: COL25A1 is on the minus strand). VCF-style: chr4-109301816-G-A. GRCh37 (hg19) VCF-style: chr4-110222972-G-A.
Other names: c.204C>T, p.Ser68= (NM_001256074.3, NM_032518.4).
Identifiers: ClinVar variation 786517 (VCV000786517.6), dbSNP rs34727311, ClinGen allele CA3039964.